The following is an entry in ClinVar:

NM_000466.3(PEX1):c.1607dup (p.Glu538fs)

Gene: PEX1 (peroxisomal biogenesis factor 1; minus strand). Cytogenetic location: 7q21.2.
Variant type: Duplication.
Coding change: c.1607dup on transcript NM_000466.3 (MANE Select); coding-DNA position 1607, one base duplicated (T; older notation c.1607dupT).
Protein change: p.Glu538fs; shifts the reading frame from glutamic acid 538.
Molecular consequence: frameshift variant.
Genome position (GRCh38, 1-based): chr7:92,509,392, A duplicated on the plus strand (T on the coding strand, the reverse complement: PEX1 is on the minus strand). VCF-style (leftmost placement, unchanged base first): chr7-92509391-T-TA. GRCh37 (hg19) VCF-style: chr7-92138705-T-TA.
Other names: c.1607dup, p.Glu538fs (NM_001282677.2); c.983dup, p.Glu330fs (NM_001282678.2); short protein forms E330fs, E538fs.
Identifiers: ClinVar variation 4818382 (VCV004818382.2).
Genomic context (GRCh38, chr7:92,509,391, plus strand): 5'-CAAAGAGCTCAGCTTTAAAAAAGGAAGAATAAAGTCAATTTCCTCACTGTTTTCTTCTTT[T>TA]ACCATAGGATCTAGAAGGACCTACAGTTGCAAGGAAAAATCAGTTTTACATTTCAAAGTA-3'

ClinVar aggregate classification (germline): Pathogenic/Likely pathogenic. Review status: criteria provided, multiple submitters, no conflicts (2 of 4 stars). 2 submissions from 2 submitters: Pathogenic (1); Likely pathogenic (1). Last evaluated 2025-03-24.

Conditions:
Peroxisome biogenesis disorder. Identifiers: Orphanet 79189, MedGen C1832200, MONDO:0019234. Disease mechanism: loss of function.
Zellweger spectrum disorders (ZS). Also called: Zellweger Spectrum Disorder; Zellweger Spectrum; Zellweger syndrome; Zellweger Spectrum Disorder (ZSD). Identifiers: Orphanet 912, MedGen C0043459, MONDO:0019609.

Submissions (2):

Natera, Inc.
Classification: Likely pathogenic for Zellweger syndrome. Last evaluated: 2025-03-24. Review status: criteria provided, single submitter. Criteria: Natera Variant Classification Schema (03/2026). Collection method: clinical testing. Allele origin: germline.
Comment: The c.1607dupT variant in PEX1 is a frameshift variant predicted to shift the reading frame beginning at codon 538 and leads to a stop codon 5 codons downstream. This variant is expected to result in nonsense mediated decay, truncation, or a dysfunctional protein product. This variant is rare in the general population with a frequency below the threshold expected for the associated phenotype(s). Given the available evidence, this variant is classified as Likely Pathogenic.

Myriad Genetics, Inc.
Classification: Pathogenic for Peroxisome biogenesis disorder. Last evaluated: 2023-11-14. Review status: criteria provided, single submitter. Criteria: Myriad Autosomal Dominant, Autosomal Recessive and X-Linked Classification Criteria (2023). Collection method: clinical testing. Allele origin: unknown.
Comment: NM_000466.2(PEX1):c.1607dupT(E538Rfs*5) is expected to be pathogenic in the context of peroxisome biogenesis disorder type 1. This variant is predicted to lead to an abnormal or absent protein product due to the creation of a premature termination codon in PEX1, a gene where loss-of-function variants are known to be pathogenic. Please note: this variant was assessed in the context of healthy population screening.